The following is an entry in ClinVar:

ClinVar aggregate classification (germline): Uncertain significance (1 of 4 stars; one submission).

Allele frequency attached by ClinVar (database versions not stated): TOPMed below 0.00001; gnomAD 0.00001.
gnomAD v4.1: 1 of 1,613,790 alleles (0.000062%); highest among the groups gnomAD compares: Non-Finnish European, 0.000085%; no homozygotes.

Submission:

CeGaT Center for Human Genetics Tuebingen
Classification: Uncertain significance. Last evaluated: 2023-01-01. Review status: criteria provided, single submitter. Criteria: CeGaT Center For Human Genetics Tuebingen Variant Classification Criteria Version 2. Collection method: clinical testing. Allele origin: germline. Affected: yes. Observed: 1 variant allele.
Comment: CYFIP2: PM2, PP2

NM_001037333.3(CYFIP2):c.2909G>C (p.Gly970Ala)

Gene: CYFIP2 (cytoplasmic FMR1 interacting protein 2; plus strand). Cytogenetic location: 5q33.3.
Variant type: single nucleotide variant.
Coding change: c.2909G>C on transcript NM_001037333.3 (MANE Select); coding-DNA position 2909, G replaced by C.
Protein change: p.Gly970Ala; replaces glycine 970 with alanine.
Molecular consequence: missense variant.
Genome position (GRCh38, 1-based): chr5:157,361,468, G>C. VCF-style: chr5-157361468-G-C. GRCh37 (hg19) VCF-style: chr5-156788476-G-C.
Other names: c.2831G>C, p.Gly944Ala (NM_001291721.2); c.2984G>C, p.Gly995Ala (NM_001291722.2); c.2909G>C, p.Gly970Ala (NM_014376.4); short protein forms G944A, G970A, G995A.
Identifiers: ClinVar variation 2655996 (VCV002655996.24), dbSNP rs1315592512, ClinGen allele CA361977625.